The following is an entry in ClinVar:

NM_006929.5(SKIC2):c.3550G>A (p.Glu1184Lys)

Gene: SKIC2 (SKI2 subunit of superkiller complex; plus strand). Cytogenetic location: 6p21.33.
Variant type: single nucleotide variant.
Coding change: c.3550G>A on transcript NM_006929.5 (MANE Select); coding-DNA position 3550, G replaced by A.
Protein change: p.Glu1184Lys; replaces glutamic acid 1184 with lysine.
Molecular consequence: missense variant.
Genome position (GRCh38, 1-based): chr6:31,969,524, G>A. VCF-style: chr6-31969524-G-A. GRCh37 (hg19) VCF-style: chr6-31937301-G-A.
Other names: short protein forms E1184K.
Identifiers: ClinVar variation 2074768 (VCV002074768.2), dbSNP rs1208679086, ClinGen allele CA363490694.

ClinVar aggregate classification (germline): Uncertain significance (1 of 4 stars; one submission).

Allele frequency attached by ClinVar (database versions not stated): gnomAD exomes 0.00001; gnomAD 0.00002.
gnomAD v4.1: 13 of 1,613,258 alleles (0.00081%); highest among the groups gnomAD compares: Middle Eastern, 0.016%; no homozygotes.

Submissions (2):

Labcorp Genetics (formerly Invitae), Labcorp
Classification: Uncertain significance. Last evaluated: 2022-06-04. Review status: criteria provided, single submitter. Criteria: Invitae Variant Classification Sherloc (09022015). Collection method: clinical testing. Allele origin: germline.
Comment: This sequence change replaces glutamic acid, which is acidic and polar, with lysine, which is basic and polar, at codon 1184 of the SKIV2L protein (p.Glu1184Lys). This variant is present in population databases (no rsID available, gnomAD 0.003%). This variant has not been reported in the literature in individuals affected with SKIV2L-related conditions. Algorithms developed to predict the effect of missense changes on protein structure and function are either unavailable or do not agree on the potential impact of this missense change (SIFT: "Deleterious"; PolyPhen-2: "Benign"; Align-GVGD: "Class C0"). In summary, the available evidence is currently insufficient to determine the role of this variant in disease. Therefore, it has been classified as a Variant of Uncertain Significance.

Dr. Peter K. Rogan Lab, Western University
No classification provided (evidence only). Condition: Uterine corpus endometrial carcinoma. Review status: no classification provided. Collection method: in vitro. Allele origin: not applicable. Functional consequence: retained intron. Not counted in ClinVar's aggregate classification.